The following is an entry in ClinVar:

NM_024700.4(SNIP1):c.1156G>A (p.Asp386Asn)

Gene: SNIP1 (Smad nuclear interacting protein 1; minus strand). Cytogenetic location: 1p34.3.
Variant type: single nucleotide variant.
Coding change: c.1156G>A on transcript NM_024700.4 (MANE Select); coding-DNA position 1156, G replaced by A.
Protein change: p.Asp386Asn; replaces aspartic acid 386 with asparagine.
Molecular consequence: missense variant.
Genome position (GRCh38, 1-based): chr1:37,537,783, C>T on the plus strand (G>A on the coding strand, the complement: SNIP1 is on the minus strand). VCF-style: chr1-37537783-C-T. GRCh37 (hg19) VCF-style: chr1-38003384-C-T.
Other names: short protein forms D386N.
Identifiers: ClinVar variation 1397897 (VCV001397897.7), dbSNP rs146974230, ClinGen allele CA771208.

ClinVar aggregate classification (germline): Uncertain significance. Review status: criteria provided, multiple submitters, no conflicts (2 of 4 stars). 2 submissions from 2 submitters: Uncertain significance (2). Last evaluated 2024-12-16.

Conditions:
Psychomotor retardation, epilepsy, and craniofacial dysmorphism (NEDHCS). Also called: NEURODEVELOPMENTAL DISORDER WITH HYPOTONIA, CRANIOFACIAL ABNORMALITIES, AND SEIZURES. Identifiers: MedGen C3281055, MONDO:0013787, OMIM 614501.

Allele frequency attached by ClinVar (database versions not stated): ExAC 0.00003; ESP Exome Variant Server 0.00008; gnomAD exomes 0.00012 and 0.00034; gnomAD 0.00019; TOPMed 0.00021.
gnomAD v4.1: 511 of 1,614,060 alleles (0.032%); highest among the groups gnomAD compares: Non-Finnish European, 0.042%; no homozygotes.

Submissions (2):

Labcorp Genetics (formerly Invitae), Labcorp
Classification: Uncertain significance. Last evaluated: 2024-12-16. Review status: criteria provided, single submitter. Criteria: Invitae Variant Classification Sherloc (09022015). Collection method: clinical testing. Allele origin: germline.
Comment: This sequence change replaces aspartic acid, which is acidic and polar, with asparagine, which is neutral and polar, at codon 386 of the SNIP1 protein (p.Asp386Asn). This variant is present in population databases (rs146974230, gnomAD 0.02%). This variant has not been reported in the literature in individuals affected with SNIP1-related conditions. ClinVar contains an entry for this variant (Variation ID: 1397897). An algorithm developed to predict the effect of missense changes on protein structure and function (PolyPhen-2) suggests that this variant¬†is likely to be tolerated. In summary, the available evidence is currently insufficient to determine the role of this variant in disease. Therefore, it has been classified as a Variant of Uncertain Significance.

Revvity Omics, Revvity
Classification: Uncertain significance for Psychomotor retardation, epilepsy, and craniofacial dysmorphism. Last evaluated: 2019-08-29. Review status: criteria provided, single submitter. Criteria: ACMG Guidelines, 2015. Collection method: clinical testing. Allele origin: germline.